The following is an entry in ClinVar:

NM_199242.3(UNC13D):c.2471A>G (p.His824Arg)

Gene: UNC13D (unc-13 homolog D; minus strand). Cytogenetic location: 17q25.1.
Variant type: single nucleotide variant.
Coding change: c.2471A>G on transcript NM_199242.3 (MANE Select); coding-DNA position 2471, A replaced by G.
Protein change: p.His824Arg; replaces histidine 824 with arginine.
Molecular consequence: missense variant.
Genome position (GRCh38, 1-based): chr17:75,831,325, T>C on the plus strand (A>G on the coding strand, the complement: UNC13D is on the minus strand). VCF-style: chr17-75831325-T-C. GRCh37 (hg19) VCF-style: chr17-73827406-T-C.
Other names: short protein forms H824R.
Identifiers: ClinVar variation 1378782 (VCV001378782.6), dbSNP rs759207238, ClinGen allele CA401082698.

ClinVar aggregate classification (germline): Uncertain significance (1 of 4 stars; one submission).

Conditions:
Familial hemophagocytic lymphohistiocytosis 3 (FHL3). Also called: UNC13D-Related Familial Hemophagocytic Lymphohistiocytosis (UNC13D-fHLH). Identifiers: Orphanet 540, MedGen C1837174, MONDO:0012146, OMIM 608898.

Submission:

Labcorp Genetics (formerly Invitae), Labcorp
Classification: Uncertain significance for Familial hemophagocytic lymphohistiocytosis 3. Last evaluated: 2025-01-13. Review status: criteria provided, single submitter. Criteria: Invitae Variant Classification Sherloc (09022015). Collection method: clinical testing. Allele origin: germline.
Comment: This sequence change replaces histidine, which is basic and polar, with arginine, which is basic and polar, at codon 824 of the UNC13D protein (p.His824Arg). This variant is not present in population databases (gnomAD no frequency). This variant has not been reported in the literature in individuals affected with UNC13D-related conditions. ClinVar contains an entry for this variant (Variation ID: 1378782). Invitae Evidence Modeling of protein sequence and biophysical properties (such as structural, functional, and spatial information, amino acid conservation, physicochemical variation, residue mobility, and thermodynamic stability) indicates that this missense variant is not expected to disrupt UNC13D protein function with a negative predictive value of 80%. In summary, the available evidence is currently insufficient to determine the role of this variant in disease. Therefore, it has been classified as a Variant of Uncertain Significance.